The following is an entry in ClinVar:

ClinVar aggregate classification (germline): Conflicting classifications of pathogenicity. Review status: criteria provided, conflicting classifications (1 of 4 stars). 2 submissions from 2 submitters: Uncertain significance (1); Likely benign (1). Last evaluated 2025-10-23.

Conditions:
Inborn genetic diseases. Identifiers: MedGen C0950123, MeSH D030342.

Allele frequency attached by ClinVar (database versions not stated): gnomAD 0.00001; TOPMed 0.00001; ExAC 0.00002; gnomAD exomes 0.00002.
gnomAD v4.1: 37 of 1,614,072 alleles (0.0023%); highest among the groups gnomAD compares: Admixed American, 0.005%; no homozygotes.

Submissions (2):

Ambry Genetics
Classification: Likely benign for Inborn genetic diseases. Last evaluated: 2025-10-23. Review status: criteria provided, single submitter. Criteria: Ambry Variant Classification Scheme 2023. Collection method: clinical testing. Allele origin: germline.

Labcorp Genetics (formerly Invitae), Labcorp
Classification: Uncertain significance. Last evaluated: 2024-05-24. Review status: criteria provided, single submitter. Criteria: Invitae Variant Classification Sherloc (09022015). Collection method: clinical testing. Allele origin: germline.
Comment: This sequence change replaces threonine, which is neutral and polar, with methionine, which is neutral and non-polar, at codon 999 of the ASXL1 protein (p.Thr999Met). This variant is present in population databases (rs778222400, gnomAD 0.003%). This variant has not been reported in the literature in individuals affected with ASXL1-related conditions. ClinVar contains an entry for this variant (Variation ID: 1936661). An algorithm developed to predict the effect of missense changes on protein structure and function (PolyPhen-2) suggests that this variant is likely to be disruptive. In summary, the available evidence is currently insufficient to determine the role of this variant in disease. Therefore, it has been classified as a Variant of Uncertain Significance.

NM_015338.6(ASXL1):c.2996C>T (p.Thr999Met)

Gene: ASXL1 (ASXL transcriptional regulator 1; plus strand). Cytogenetic location: 20q11.21.
Variant type: single nucleotide variant.
Coding change: c.2996C>T on transcript NM_015338.6 (MANE Select); coding-DNA position 2996, C replaced by T.
Protein change: p.Thr999Met; replaces threonine 999 with methionine.
Molecular consequence: missense variant.
Genome position (GRCh38, 1-based): chr20:32,435,708, C>T. VCF-style: chr20-32435708-C-T. GRCh37 (hg19) VCF-style: chr20-31023511-C-T.
Other names: c.2813C>T, p.Thr938Met (NM_001363734.1); short protein forms T938M, T999M.
Identifiers: ClinVar variation 1936661 (VCV001936661.6), dbSNP rs778222400, ClinGen allele CA9808740.